The following is an entry in ClinVar:

NM_000059.4(BRCA2):c.2336del (p.Leu779fs)

Gene: BRCA2 (BRCA2 DNA repair associated; plus strand). Cytogenetic location: 13q13.1.
Variant type: Deletion.
Coding change: c.2336del on transcript NM_000059.4 (MANE Select); coding-DNA position 2336, one base deleted (T; older notation c.2336delT).
Protein change: p.Leu779fs; shifts the reading frame from leucine 779.
Molecular consequence: frameshift variant.
Genome position (GRCh38, 1-based): chr13:32,336,691, T deleted. VCF-style (leftmost placement, unchanged base first): chr13-32336690-CT-C. GRCh37 (hg19) VCF-style: chr13-32910827-CT-C.
Other names: c.2336delT (NM_000059.3); short protein forms L779fs.
Identifiers: ClinVar variation 418837 (VCV000418837.4), dbSNP rs1064793467, ClinGen allele CA16619671.

ClinVar aggregate classification (germline): Pathogenic. Review status: reviewed by expert panel (3 of 4 stars). 3 submissions from 3 submitters: Pathogenic (1). 2 of the submissions do not count toward it. Last evaluated 2017-12-15.

Conditions:
Hereditary cancer-predisposing syndrome. Also called: Tumor predisposition; Neoplastic Syndromes, Hereditary; Hereditary Cancer Syndrome; Hereditary neoplastic syndrome. Identifiers: Orphanet 140162, MedGen C0027672, MeSH D009386, MONDO:0015356.
Breast-ovarian cancer, familial, susceptibility to, 2 (BROVCA2). Also called: BRCA2 Hereditary Breast and Ovarian Cancer. Identifiers: Orphanet 145, MedGen C2675520, MONDO:0012933, OMIM 612555. Disease mechanism: loss of function.

Submissions (3):

Evidence-based Network for the Interpretation of Germline Mutant Alleles (ENIGMA)
Classification: Pathogenic for Breast-ovarian cancer, familial, susceptibility to, 2. Last evaluated: 2017-12-15. Review status: reviewed by expert panel. Criteria: ENIGMA BRCA1/2 Classification Criteria (2017-06-29). Collection method: curation. Allele origin: germline. Study: ENIGMA.
Comment: Variant allele predicted to encode a truncated non-functional protein.

Ambry Genetics
Classification: Pathogenic for Hereditary cancer-predisposing syndrome. Last evaluated: 2025-04-24. Review status: criteria provided, single submitter. Criteria: Ambry Variant Classification Scheme 2023. Collection method: clinical testing. Allele origin: germline. Not counted in ClinVar's aggregate classification.
Comment: The c.2336delT pathogenic mutation, located in coding exon 10 of the BRCA2 gene, results from a deletion of one nucleotide at nucleotide position 2336, causing a translational frameshift with a predicted alternate stop codon (p.L779Rfs*4). This variant is considered to be rare based on population cohorts in the Genome Aggregation Database (gnomAD). This alteration is expected to result in loss of function by premature protein truncation or nonsense-mediated mRNA decay. As such, this alteration is interpreted as a disease-causing mutation.

GeneDx
Classification: Pathogenic. Last evaluated: 2020-01-24. Review status: criteria provided, single submitter. Criteria: GeneDx Variant Classification Process June 2021. Collection method: clinical testing. Allele origin: germline. Affected: yes. Not counted in ClinVar's aggregate classification.
Comment: Frameshift variant predicted to result in protein truncation or nonsense mediated decay in a gene for which loss-of-function is a known mechanism of disease; Not observed in large population cohorts (Lek et al., 2016); Has not been previously published as pathogenic or benign to our knowledge